The following is an entry in ClinVar:

NM_000179.3(MSH6):c.1687A>G (p.Thr563Ala)

Gene: MSH6 (mutS homolog 6; plus strand). Cytogenetic location: 2p16.3.
Variant type: single nucleotide variant.
Coding change: c.1687A>G on transcript NM_000179.3 (MANE Select); coding-DNA position 1687, A replaced by G.
Protein change: p.Thr563Ala; replaces threonine 563 with alanine.
Molecular consequence: missense variant. On other transcripts: non-coding transcript variant (4), intron variant (2).
Genome position (GRCh38, 1-based): chr2:47,799,670, A>G. VCF-style: chr2-47799670-A-G. GRCh37 (hg19) VCF-style: chr2-48026809-A-G.
Other names: c.1297A>G, p.Thr433Ala (NM_001281492.2); c.781A>G, p.Thr261Ala (NM_001281493.2, NM_001281494.2, NM_001406811.1 and 6 more transcripts); c.1783A>G, p.Thr595Ala (NM_001406795.1, NM_001406802.1); c.1687A>G, p.Thr563Ala (NM_001406796.1, NM_001406798.1, NM_001406800.1 and 3 more transcripts); c.1390A>G, p.Thr464Ala (NM_001406797.1, NM_001406801.1, NM_001406805.1 and 10 more transcripts); c.1162A>G, p.Thr388Ala (NM_001406799.1, NM_001406806.1, NM_001406807.1); c.1609A>G, p.Thr537Ala (NM_001406804.1); c.1693A>G, p.Thr565Ala (NM_001406813.1); and 3 more; short protein forms T464A, T388A, T433A, T595A, T261A, T507A, T565A, T537A.
Identifiers: ClinVar variation 4771224 (VCV004771224.1).

ClinVar aggregate classification (germline): Uncertain significance (1 of 4 stars; one submission).

Conditions:
Hereditary nonpolyposis colorectal neoplasms. Identifiers: MedGen C0009405, MeSH D003123.

Submission:

Labcorp Genetics (formerly Invitae), Labcorp
Classification: Uncertain significance for Hereditary nonpolyposis colorectal neoplasms. Last evaluated: 2025-11-05. Review status: criteria provided, single submitter. Criteria: Invitae Variant Classification Sherloc (09022015). Collection method: clinical testing. Allele origin: germline.
Comment: This sequence change replaces threonine, which is neutral and polar, with alanine, which is neutral and non-polar, at codon 563 of the MSH6 protein (p.Thr563Ala). This variant is not present in population databases (gnomAD no frequency). This variant has not been reported in the literature in individuals affected with MSH6-related conditions. Invitae Evidence Modeling of protein sequence and biophysical properties (such as structural, functional, and spatial information, amino acid conservation, physicochemical variation, residue mobility, and thermodynamic stability) indicates that this missense variant is not expected to disrupt MSH6 protein function with a negative predictive value of 95%. In summary, the available evidence is currently insufficient to determine the role of this variant in disease. Therefore, it has been classified as a Variant of Uncertain Significance.